The following is an entry in ClinVar:

ClinVar aggregate classification (germline): Uncertain significance. Review status: criteria provided, multiple submitters, no conflicts (2 of 4 stars). 2 submissions from 2 submitters: Uncertain significance (2). Last evaluated 2024-10-26.

Conditions:
Marinesco-Sjögren syndrome (MSS). Also called: Marinesco-SjÃ¶gren syndrome; Marinesco-Sjogren Syndrome. Identifiers: Orphanet 559, MedGen C0024814, MONDO:0009567, OMIM 248800.

Allele frequency attached by ClinVar (database versions not stated): gnomAD exomes below 0.00001; TOPMed below 0.00001; gnomAD 0.00001.
gnomAD v4.1: 4 of 1,614,084 alleles (0.00025%); highest among the groups gnomAD compares: Non-Finnish European, 0.00025%; no homozygotes.

Submissions (2):

Labcorp Genetics (formerly Invitae), Labcorp
Classification: Uncertain significance for Marinesco-Sjögren syndrome. Last evaluated: 2024-10-26. Review status: criteria provided, single submitter. Criteria: Invitae Variant Classification Sherloc (09022015). Collection method: clinical testing. Allele origin: germline.
Comment: This sequence change replaces valine, which is neutral and non-polar, with alanine, which is neutral and non-polar, at codon 91 of the SIL1 protein (p.Val91Ala). This variant is present in population databases (no rsID available, gnomAD 0.0009%). This variant has not been reported in the literature in individuals affected with SIL1-related conditions. ClinVar contains an entry for this variant (Variation ID: 805455). Invitae Evidence Modeling of protein sequence and biophysical properties (such as structural, functional, and spatial information, amino acid conservation, physicochemical variation, residue mobility, and thermodynamic stability) indicates that this missense variant is expected to disrupt SIL1 protein function with a positive predictive value of 80%. In summary, the available evidence is currently insufficient to determine the role of this variant in disease. Therefore, it has been classified as a Variant of Uncertain Significance.

Athena Diagnostics
Classification: Uncertain significance. Last evaluated: 2018-09-26. Review status: criteria provided, single submitter. Criteria: Athena Diagnostics Criteria. Collection method: clinical testing. Allele origin: germline.

NM_022464.5(SIL1):c.272T>C (p.Val91Ala)

Gene: SIL1 (SIL1 nucleotide exchange factor; minus strand). Cytogenetic location: 5q31.2.
Variant type: single nucleotide variant.
Coding change: c.272T>C on transcript NM_022464.5 (MANE Select); coding-DNA position 272, T replaced by C.
Protein change: p.Val91Ala; replaces valine 91 with alanine.
Molecular consequence: missense variant.
Genome position (GRCh38, 1-based): chr5:139,051,019, A>G on the plus strand (T>C on the coding strand, the complement: SIL1 is on the minus strand). VCF-style: chr5-139051019-A-G. GRCh37 (hg19) VCF-style: chr5-138386708-A-G.
Other names: c.272T>C, p.Val91Ala (NM_001037633.2); short protein forms V91A.
Identifiers: ClinVar variation 805455 (VCV000805455.3), dbSNP rs1461916800, ClinGen allele CA361476324.